The following is an entry in ClinVar:

NM_020693.4(DSCAML1):c.5827C>T (p.His1943Tyr)

Gene: DSCAML1 (DS cell adhesion molecule like 1; minus strand). Cytogenetic location: 11q23.3.
Variant type: single nucleotide variant.
Coding change: c.5827C>T on transcript NM_020693.4 (MANE Select); coding-DNA position 5827, C replaced by T.
Protein change: p.His1943Tyr; replaces histidine 1943 with tyrosine.
Molecular consequence: missense variant.
Genome position (GRCh38, 1-based): chr11:117,428,663, G>A on the plus strand (C>T on the coding strand, the complement: DSCAML1 is on the minus strand). VCF-style: chr11-117428663-G-A. GRCh37 (hg19) VCF-style: chr11-117299379-G-A.
Other names: short protein forms H1943Y.
Identifiers: ClinVar variation 1390171 (VCV001390171.6), dbSNP rs1426667540, ClinGen allele CA382751324.

ClinVar aggregate classification (germline): Uncertain significance (1 of 4 stars; one submission).

Allele frequency attached by ClinVar (database versions not stated): gnomAD exomes below 0.00001 and 0.00001; gnomAD 0.00001.
gnomAD v4.1: 5 of 1,612,258 alleles (0.00031%); highest among the groups gnomAD compares: Admixed American, 0.0067%; no homozygotes.

Submission:

Labcorp Genetics (formerly Invitae), Labcorp
Classification: Uncertain significance. Last evaluated: 2022-04-13. Review status: criteria provided, single submitter. Criteria: Invitae Variant Classification Sherloc (09022015). Collection method: clinical testing. Allele origin: germline.
Comment: This sequence change replaces histidine, which is basic and polar, with tyrosine, which is neutral and polar, at codon 2003 of the DSCAML1 protein (p.His2003Tyr). This variant is present in population databases (no rsID available, gnomAD 0.006%). This variant has not been reported in the literature in individuals affected with DSCAML1-related conditions. Algorithms developed to predict the effect of missense changes on protein structure and function are either unavailable or do not agree on the potential impact of this missense change (SIFT: "Deleterious"; PolyPhen-2: "Possibly Damaging"; Align-GVGD: "Class C0"). In summary, the available evidence is currently insufficient to determine the role of this variant in disease. Therefore, it has been classified as a Variant of Uncertain Significance.